The following is an entry in ClinVar:

NM_020975.6(RET):c.1821C>T (p.Gly607=)

Gene: RET (ret proto-oncogene; plus strand). Cytogenetic location: 10q11.21.
Variant type: single nucleotide variant.
Coding change: c.1821C>T on transcript NM_020975.6 (MANE Select); coding-DNA position 1821, C replaced by T.
Protein change: p.Gly607=; no amino-acid change (glycine 607 retained).
Molecular consequence: synonymous variant. On other transcripts: intron variant (2).
Genome position (GRCh38, 1-based): chr10:43,113,617, C>T. VCF-style: chr10-43113617-C-T. GRCh37 (hg19) VCF-style: chr10-43609065-C-T.
Other names: c.1821C>T, p.Gly607= (NM_000323.2, NM_001406743.1, NM_001406744.1 and 6 more transcripts); c.1059C>T, p.Gly353= (NM_001355216.2); c.1692C>T, p.Gly564= (NM_001406761.1, NM_001406762.1, NM_001406764.1 and 1 more transcripts); c.1533C>T, p.Gly511= (NM_001406766.1, NM_001406767.1, NM_001406770.1); c.1425C>T, p.Gly475= (NM_001406769.1, NM_001406772.1); c.1383C>T, p.Gly461= (NM_001406771.1, NM_001406773.1); c.1296C>T, p.Gly432= (NM_001406774.1); c.1095C>T, p.Gly365= (NM_001406775.1, NM_001406776.1, NM_001406777.1 and 1 more transcripts); and 7 more.
Identifiers: ClinVar variation 1037635 (VCV001037635.16), dbSNP rs1837993502, ClinGen allele CA469027867.

ClinVar aggregate classification (germline): Conflicting classifications of pathogenicity. Review status: criteria provided, conflicting classifications (1 of 4 stars). 5 submissions from 5 submitters: Uncertain significance (1); Benign (1); Likely benign (2). 1 of the submissions does not count toward it. Last evaluated 2025-02-26.

Conditions:
RET-related disorder. Also called: RET-related condition; RET-related disease; RET-related disorders.
Hereditary cancer-predisposing syndrome. Also called: Neoplastic Syndromes, Hereditary; Hereditary Cancer Syndrome; Tumor predisposition; Hereditary neoplastic syndrome. Identifiers: Orphanet 140162, MedGen C0027672, MeSH D009386, MONDO:0015356.
Multiple endocrine neoplasia, type 2 (MEN2). Identifiers: Orphanet 653, MedGen C4048306, MONDO:0019003. Disease mechanism: gain of function.
Multiple endocrine neoplasia type 2A. Also called: Multiple Endocrine Neoplasia Type 2A (MEN2A); MULTIPLE ENDOCRINE NEOPLASIA, TYPE IIA; PTC SYNDROME; SIPPLE SYNDROME; MEN 2A; MEN-2A syndrome. Identifiers: Orphanet 247698, Orphanet 653, MedGen C0025268, MeSH D018813, MONDO:0008234, OMIM 171400.

Allele frequency attached by ClinVar (database versions not stated): gnomAD exomes below 0.00001; TOPMed 0.00001.
gnomAD v4.1: 2 of 1,613,036 alleles (0.00012%); highest among the groups gnomAD compares: Non-Finnish European, 0.00017%; no homozygotes.

Submissions (5):

Myriad Genetics, Inc.
Classification: Benign for Multiple endocrine neoplasia type 2A. Last evaluated: 2025-02-26. Review status: criteria provided, single submitter. Criteria: Myriad Autosomal Dominant, Autosomal Recessive and X-Linked Classification Criteria (2023). Collection method: clinical testing. Allele origin: unknown.
Comment: This variant is considered benign. This variant is a silent/synonymous amino acid change and it is not expected to impact splicing.

Labcorp Genetics (formerly Invitae), Labcorp
Classification: Likely benign for Multiple endocrine neoplasia, type 2. Last evaluated: 2024-04-22. Review status: criteria provided, single submitter. Criteria: Invitae Variant Classification Sherloc (09022015). Collection method: clinical testing. Allele origin: germline.

All of Us Research Program, National Institutes of Health
Classification: Uncertain significance for Multiple endocrine neoplasia, type 2. Last evaluated: 2023-04-03. Review status: criteria provided, single submitter. Criteria: ACMG Guidelines, 2015. Collection method: clinical testing. Allele origin: germline. Inheritance: Autosomal dominant inheritance. Observed: 1 variant allele, 1 heterozygote.
Comment: This variant is located in the RET protein. To our knowledge, functional studies have not been reported for this variant. This variant has not been reported in individuals affected with RET-related disorders in the literature. This variant has not been identified in the general population by the Genome Aggregation Database (gnomAD). The available evidence is insufficient to determine the role of this variant in disease conclusively. Therefore, this variant is classified as a Variant of Uncertain Significance.

This study involves interpretation of variants in research participants for the purpose of population health screening. Participant phenotype was not available at the time of variant classification. Additional details can be found in publication PMID: 35346344, PMCID: PMC8962531

Ambry Genetics
Classification: Likely benign for Hereditary cancer-predisposing syndrome. Last evaluated: 2021-08-09. Review status: criteria provided, single submitter. Criteria: Ambry Variant Classification Scheme 2023. Collection method: clinical testing. Allele origin: germline.

PreventionGenetics, part of Exact Sciences
Classification: Likely benign for RET-related condition. Last evaluated: 2023-11-01. Review status: no assertion criteria provided. Collection method: clinical testing. Allele origin: germline. Not counted in ClinVar's aggregate classification.
Comment: This variant is classified as likely benign based on ACMG/AMP sequence variant interpretation guidelines (Richards et al. 2015 PMID: 25741868, with internal and published modifications).